The following is an entry in ClinVar:

NM_012330.4(KAT6B):c.3659G>A (p.Cys1220Tyr)

Gene: KAT6B (lysine acetyltransferase 6B; plus strand). Cytogenetic location: 10q22.2.
Variant type: single nucleotide variant.
Coding change: c.3659G>A on transcript NM_012330.4 (MANE Select); coding-DNA position 3659, G replaced by A.
Protein change: p.Cys1220Tyr; replaces cysteine 1220 with tyrosine.
Molecular consequence: missense variant.
Genome position (GRCh38, 1-based): chr10:75,025,244, G>A. VCF-style: chr10-75025244-G-A. GRCh37 (hg19) VCF-style: chr10-76785002-G-A.
Other names: c.3110G>A, p.Cys1037Tyr (NM_001256468.2, NM_001370138.1); c.2783G>A, p.Cys928Tyr (NM_001256469.2, NM_001370139.1, NM_001370140.1 and 2 more transcripts); c.2621G>A, p.Cys874Tyr (NM_001370132.1); c.1970G>A, p.Cys657Tyr (NM_001370133.1); c.1574G>A, p.Cys525Tyr (NM_001370134.1); c.1316G>A, p.Cys439Tyr (NM_001370135.1); c.3659G>A, p.Cys1220Tyr (NM_001370136.1, NM_001370137.1); c.2594G>A, p.Cys865Tyr (NM_001370143.1, NM_001370144.1); short protein forms C1037Y, C1220Y, C657Y, C874Y, C439Y, C525Y, C865Y, C928Y.
Identifiers: ClinVar variation 2109407 (VCV002109407.4), dbSNP rs1380765718, ClinGen allele CA377289220.

ClinVar aggregate classification (germline): Uncertain significance (1 of 4 stars; one submission).

Conditions:
Genitopatellar syndrome (GTPTS). Also called: ABSENT PATELLAE, SCROTAL HYPOPLASIA, RENAL ANOMALIES, FACIAL DYSMORPHISM, AND MENTAL RETARDATION; Genitopatellar syndrome (GPS). Identifiers: Orphanet 85201, MedGen C1853566, MONDO:0011640, OMIM 606170.

Allele frequency attached by ClinVar (database versions not stated): gnomAD exomes below 0.00001.
gnomAD v4.1: 5 of 1,614,004 alleles (0.00031%); highest among the groups gnomAD compares: Admixed American, 0.005%; no homozygotes.

Submission:

Labcorp Genetics (formerly Invitae), Labcorp
Classification: Uncertain significance for Genitopatellar syndrome. Last evaluated: 2023-05-24. Review status: criteria provided, single submitter. Criteria: Invitae Variant Classification Sherloc (09022015). Collection method: clinical testing. Allele origin: germline.
Comment: Advanced modeling of protein sequence and biophysical properties (such as structural, functional, and spatial information, amino acid conservation, physicochemical variation, residue mobility, and thermodynamic stability) performed at Invitae indicates that this missense variant is not expected to disrupt KAT6B protein function. In summary, the available evidence is currently insufficient to determine the role of this variant in disease. Therefore, it has been classified as a Variant of Uncertain Significance. ClinVar contains an entry for this variant (Variation ID: 2109407). This variant has not been reported in the literature in individuals affected with KAT6B-related conditions. This sequence change replaces cysteine, which is neutral and slightly polar, with tyrosine, which is neutral and polar, at codon 1220 of the KAT6B protein (p.Cys1220Tyr). The frequency data for this variant in the population databases is considered unreliable, as metrics indicate poor data quality at this position in the gnomAD database.